The following is an entry in ClinVar:

ClinVar aggregate classification (germline): Uncertain significance (1 of 4 stars; one submission).

gnomAD v4.1: 1 of 1,537,640 alleles (0.000065%); highest among the groups gnomAD compares: South Asian, 0.0012%; no homozygotes.

Submission:

Labcorp Genetics (formerly Invitae), Labcorp
Classification: Uncertain significance. Last evaluated: 2024-01-13. Review status: criteria provided, single submitter. Criteria: Invitae Variant Classification Sherloc (09022015). Collection method: clinical testing. Allele origin: germline.
Comment: This sequence change replaces threonine, which is neutral and polar, with alanine, which is neutral and non-polar, at codon 97 of the CHD8 protein (p.Thr97Ala). This variant is not present in population databases (gnomAD no frequency). This variant has not been reported in the literature in individuals affected with CHD8-related conditions. An algorithm developed to predict the effect of missense changes on protein structure and function (PolyPhen-2) suggests that this variant is likely to be tolerated. In summary, the available evidence is currently insufficient to determine the role of this variant in disease. Therefore, it has been classified as a Variant of Uncertain Significance.

NM_001170629.2(CHD8):c.289A>G (p.Thr97Ala)

Gene: CHD8 (chromodomain helicase DNA binding protein 8; minus strand). Cytogenetic location: 14q11.2.
Variant type: single nucleotide variant.
Coding change: c.289A>G on transcript NM_001170629.2 (MANE Select); coding-DNA position 289, A replaced by G.
Protein change: p.Thr97Ala; replaces threonine 97 with alanine.
Molecular consequence: missense variant. On other transcripts: intron variant (1).
Genome position (GRCh38, 1-based): chr14:21,431,355, T>C on the plus strand (A>G on the coding strand, the complement: CHD8 is on the minus strand). VCF-style: chr14-21431355-T-C. GRCh37 (hg19) VCF-style: chr14-21899514-T-C.
Other names: c.6+456A>G (NM_020920.4); short protein forms T97A.
Identifiers: ClinVar variation 2702817 (VCV002702817.3), dbSNP rs1594379991, ClinGen allele CA388889741.